The following is an entry in ClinVar:

ClinVar aggregate classification (germline): Likely benign. Review status: criteria provided, single submitter (1 of 4 stars). 2 submissions from 2 submitters: Likely benign (1). 1 of the submissions does not count toward it. Last evaluated 2023-07-25.

Conditions:
PCNT-related disorder. Also called: PCNT-related condition.

Allele frequency attached by ClinVar (database versions not stated): gnomAD exomes below 0.00001; gnomAD 0.00001; TOPMed 0.00001; ExAC 0.00002.
gnomAD v4.1: 4 of 1,612,740 alleles (0.00025%); highest among the groups gnomAD compares: African/African-American, 0.0027%; no homozygotes.

Submissions (2):

Labcorp Genetics (formerly Invitae), Labcorp
Classification: Likely benign. Last evaluated: 2023-07-25. Review status: criteria provided, single submitter. Criteria: Invitae Variant Classification Sherloc (09022015). Collection method: clinical testing. Allele origin: germline.

PreventionGenetics, part of Exact Sciences
Classification: Likely benign for PCNT-related condition. Last evaluated: 2024-06-10. Review status: no assertion criteria provided. Collection method: clinical testing. Allele origin: germline. Not counted in ClinVar's aggregate classification.
Comment: This variant is classified as likely benign based on ACMG/AMP sequence variant interpretation guidelines (Richards et al. 2015 PMID: 25741868, with internal and published modifications).

NM_006031.6(PCNT):c.7320+10G>A

Gene: PCNT (pericentrin; plus strand). Cytogenetic location: 21q22.3.
Variant type: single nucleotide variant.
Coding change: c.7320+10G>A on transcript NM_006031.6 (MANE Select); 10 bases into the intron after coding-DNA position 7320, G replaced by A.
Molecular consequence: intron variant.
Genome position (GRCh38, 1-based): chr21:46,425,981, G>A. VCF-style: chr21-46425981-G-A. GRCh37 (hg19) VCF-style: chr21-47845895-G-A.
Other names: c.7320+10G>A (NM_006031.5); c.6966+10G>A (NM_001315529.2).
Identifiers: ClinVar variation 2918624 (VCV002918624.4), dbSNP rs758023203, ClinGen allele CA10080610.
Genomic context (GRCh38, chr21:46,425,981, plus strand): 5'-CGGAAGGAAGACGAGATACAGGACATCTCGCTCCATGGGGGAAAGACGCAGGTTTATTTT[G>A]CCCTTCACACACTTCTTTTCCAAAGGATTTAAGGAGCTTGTGGTAATGGCCGCGTCCTTA-3'